The following is an entry in ClinVar:

ClinVar aggregate classification (germline): Pathogenic (1 of 4 stars; one submission).

Conditions:
Epilepsy, X-linked 1, with variable learning disabilities and behavior disorders. Also called: X-linked epilepsy-learning disabilities-behavior disorders syndrome. Identifiers: Orphanet 85294, MedGen C5774177, MONDO:0010339, OMIM 300491.

Submission:

Labcorp Genetics (formerly Invitae), Labcorp
Classification: Pathogenic for Epilepsy, X-linked 1, with variable learning disabilities and behavior disorders. Last evaluated: 2024-12-16. Review status: criteria provided, single submitter. Criteria: Invitae Variant Classification Sherloc (09022015). Collection method: clinical testing. Allele origin: germline.
Comment: This sequence change results in a frameshift in the SYN1 gene (p.Gln421Profs*256). While this is not anticipated to result in nonsense mediated decay, it is expected to disrupt the last 249 amino acid(s) of the SYN1 protein and extend the protein by 6 additional amino acid residues. This variant is not present in population databases (gnomAD no frequency). This variant has not been reported in the literature in individuals affected with SYN1-related conditions. ClinVar contains an entry for this variant (Variation ID: 1456713). This variant results in an extension of the SYN1 protein. Other variant(s) that result in a similarly extended protein product (p.Pro463Thrfs*213) have been determined to be pathogenic (internal data). This suggests that these extensions are likely to be disease-causing. For these reasons, this variant has been classified as Pathogenic.

NM_006950.3(SYN1):c.1258_1261dup (p.Gln421fs)

Gene: SYN1 (synapsin I; minus strand). Cytogenetic location: Xp11.3.
Variant type: Duplication.
Coding change: c.1258_1261dup on transcript NM_006950.3 (MANE Select); coding-DNA positions 1258 to 1261, 4 bases duplicated (CGGC; older notation c.1258_1261dupCGGC).
Protein change: p.Gln421fs; shifts the reading frame from glutamine 421.
Molecular consequence: frameshift variant.
Genome position (GRCh38, 1-based): chrX:47,575,172-47,575,175, GCCG duplicated on the plus strand (CGGC on the coding strand, the reverse complement: SYN1 is on the minus strand); duplicating any 4 consecutive bases within chrX:47,575,172-47,575,176 gives the same sequence; the c. name uses the placement nearest the transcript's 3' end. VCF-style (leftmost placement, unchanged base first): chrX-47575171-T-TGCCG. GRCh37 (hg19) VCF-style: chrX-47434570-T-TGCCG.
Other names: c.1258_1261dup, p.Gln421fs (NM_133499.2); short protein forms Q421fs.
Identifiers: ClinVar variation 1456713 (VCV001456713.8), dbSNP rs2147912678, ClinGen allele CA2573131765.